The following is an entry in ClinVar:

NM_014956.5(CEP164):c.2986C>T (p.Gln996Ter)

Gene: CEP164 (centrosomal protein 164; plus strand). Cytogenetic location: 11q23.3.
Variant type: single nucleotide variant.
Coding change: c.2986C>T on transcript NM_014956.5 (MANE Select); coding-DNA position 2986, C replaced by T.
Protein change: p.Gln996Ter; replaces glutamine 996 with a stop codon.
Molecular consequence: nonsense.
Genome position (GRCh38, 1-based): chr11:117,395,619, C>T. VCF-style: chr11-117395619-C-T. GRCh37 (hg19) VCF-style: chr11-117266335-C-T.
Other names: c.2995C>T, p.Gln999Ter (NM_001271933.2, NM_001440949.1); c.2986C>T, p.Gln996Ter (NM_001440950.1, NM_001440951.1, NM_001440953.1); c.2821C>T, p.Gln941Ter (NM_001440952.1, NM_001440968.1, NM_001440969.1); c.2908C>T, p.Gln970Ter (NM_001440954.1, NM_001440955.1, NM_001440958.1 and 1 more transcripts); c.2899C>T, p.Gln967Ter (NM_001440956.1, NM_001440957.1); c.2857C>T, p.Gln953Ter (NM_001440960.1); c.2848C>T, p.Gln950Ter (NM_001440961.1, NM_001440967.1); c.2839C>T, p.Gln947Ter (NM_001440962.1, NM_001440963.1, NM_001440964.1 and 4 more transcripts); and 7 more; short protein forms Q871*, Q877*, Q926*, Q941*, Q947*, Q970*, Q996*, Q921*.
Identifiers: ClinVar variation 4993793 (VCV004993793.1).

ClinVar aggregate classification (germline): Likely pathogenic (1 of 4 stars; one submission).

Conditions:
CEP164-related disorder. Also called: CEP164-related condition.

gnomAD v4.1: 1 of 1,613,984 alleles (0.000062%); highest among the groups gnomAD compares: Non-Finnish European, 0.000085%; no homozygotes.

Submission:

PreventionGenetics, part of Exact Sciences
Classification: Likely pathogenic for CEP164-related condition. Last evaluated: 2025-08-18. Review status: criteria provided, single submitter. Criteria: ACMG Guidelines, 2015. Collection method: clinical testing. Allele origin: germline.
Comment: The CEP164 c.2986C>T variant is predicted to result in premature protein termination (p.Gln996*). To our knowledge, this variant has not been reported in the literature or in a large population database (gnomAD), indicating this variant is rare. Nonsense variants in CEP164 are expected to be pathogenic. This variant is interpreted as likely pathogenic.